The following is an entry in ClinVar:

NM_015443.4(KANSL1):c.3260C>T (p.Pro1087Leu)

Gene: KANSL1 (KAT8 regulatory NSL complex subunit 1). Cytogenetic location: 17q21.31.
Variant type: single nucleotide variant.
Coding change: c.3260C>T on transcript NM_015443.4 (MANE Select); coding-DNA position 3260, C replaced by T.
Protein change: p.Pro1087Leu; replaces proline 1087 with leucine.
Molecular consequence: missense variant.
Genome position (GRCh38, 1-based): chr17:46,031,534, G>A on the plus strand (C>T on the coding strand, the complement: KANSL1 is on the minus strand). VCF-style: chr17-46031534-G-A. GRCh37 (hg19) VCF-style: chr17-44108900-G-A.
Other names: c.3257C>T, p.Pro1086Leu (NM_001193465.2); c.3260C>T, p.Pro1087Leu (NM_001193466.2, NM_001379198.1); short protein forms P1087L, P1086L.
Identifiers: ClinVar variation 387239 (VCV000387239.10), dbSNP rs781609742, ClinGen allele CA8618333.

ClinVar aggregate classification (germline): Conflicting classifications of pathogenicity. Review status: criteria provided, conflicting classifications (1 of 4 stars). 2 submissions from 2 submitters: Uncertain significance (1); Likely benign (1). Last evaluated 2026-01-28.

Conditions:
Koolen-de Vries syndrome (KDVS). Identifiers: Orphanet 96169, MedGen C1864871, MONDO:0012496, OMIM 610443.

Allele frequency attached by ClinVar (database versions not stated): gnomAD exomes 0.00001 and 0.00002; ExAC 0.00002; gnomAD 0.00003; TOPMed 0.00004.
gnomAD v4.1: 19 of 1,613,942 alleles (0.0012%); highest among the groups gnomAD compares: Admixed American, 0.01%; no homozygotes.

Submissions (2):

Labcorp Genetics (formerly Invitae), Labcorp
Classification: Uncertain significance for Koolen-de Vries syndrome. Last evaluated: 2026-01-28. Review status: criteria provided, single submitter. Criteria: Invitae Variant Classification Sherloc (09022015). Collection method: clinical testing. Allele origin: germline.
Comment: This sequence change replaces proline, which is neutral and non-polar, with leucine, which is neutral and non-polar, at codon 1087 of the KANSL1 protein (p.Pro1087Leu). This variant is present in population databases (rs781609742, gnomAD 0.009%). This variant has not been reported in the literature in individuals affected with KANSL1-related conditions. ClinVar contains an entry for this variant (Variation ID: 387239). An algorithm developed to predict the effect of missense changes on protein structure and function (PolyPhen-2) suggests that this variant is likely to be tolerated. In summary, the available evidence is currently insufficient to determine the role of this variant in disease. Therefore, it has been classified as a Variant of Uncertain Significance.

GeneDx
Classification: Likely benign. Last evaluated: 2018-10-17. Review status: criteria provided, single submitter. Criteria: GeneDx Variant Classification Process June 2021. Collection method: clinical testing. Allele origin: germline. Affected: yes.